The following is an entry in ClinVar:

ClinVar aggregate classification (germline): Pathogenic. Review status: criteria provided, multiple submitters, no conflicts (2 of 4 stars). 4 submissions from 4 submitters: Pathogenic (4). Last evaluated 2026-07-01.

Conditions:
Glycogen storage disease, type II (IOPD). Also called: CARDIOMEGALIA GLYCOGENICA DIFFUSA; GLYCOGENOSIS, GENERALIZED, CARDIAC FORM; GSD II; Glycogen storage disease type 2; Acid maltase deficiency disease; Aglucosidase alfa. Identifiers: Orphanet 365, MedGen C0017921, MONDO:0009290, OMIM 232300.

Allele frequency attached by ClinVar (database versions not stated): gnomAD exomes below 0.00001; ExAC 0.00001.
gnomAD v4.1: 4 of 1,600,162 alleles (0.00025%); highest among the groups gnomAD compares: South Asian, 0.0011%; no homozygotes.

Submissions (4):

Genomenon, Inc
Classification: Pathogenic for Glycogen storage disease, type II. Last evaluated: 2026-07-01. Review status: criteria provided, single submitter. Criteria: Genomenon Sequence Variant Interpretation Standards - Updated. Collection method: curation. Allele origin: germline. Affected: yes.
Comment: GAA p.Trp859Ter (c.2577G>A) is a nonsense variant that introduces a premature stop codon at amino acid position 859 and is predicted to result in a truncated or absent protein product. This variant has been observed in at least one proband with a GAA-related disorder (PMID:34501319). It is absent or not present at a significant frequency in gnomAD. In conclusion, we classify GAA p.Trp859Ter (c.2577G>A) as a pathogenic variant.

Natera, Inc.
Classification: Pathogenic for Glycogen storage disease type II. Last evaluated: 2026-01-14. Review status: criteria provided, single submitter. Criteria: Natera Variant Classification Schema (03/2026). Collection method: clinical testing. Allele origin: germline.
Comment: The c.2577G>A variant in GAA is a nonsense variant predicted to introduce a stop codon at amino acid 859. This variant is expected to result in nonsense mediated decay, truncation, or a dysfunctional protein product. This variant is rare in the general population with a frequency below the threshold expected for the associated phenotype(s). This variant has been observed in one or more individuals affected with the associated recessive disease, as either homozygous or compound heterozygous with a second variant (PMID: 32337335, 34501319). Given the available evidence, this variant is classified as Pathogenic.

Women's Health and Genetics/Laboratory Corporation of America, LabCorp
Classification: Pathogenic for Glycogen storage disease, type II. Last evaluated: 2024-12-11. Review status: criteria provided, single submitter. Criteria: LabCorp Variant Classification Summary - May 2015. Collection method: clinical testing. Allele origin: germline.
Comment: Variant summary: GAA c.2577G>A (p.Trp859X) results in a premature termination codon, predicted to cause a truncation of the encoded protein or absence of the protein due to nonsense mediated decay, which are commonly known mechanisms for disease. The variant allele was found at a frequency of 4.2e-06 in 239268 control chromosomes. c.2577G>A has been reported in the literature in individuals affected with Glycogen Storage Disease, Type 2 (Pompe Disease) (example, Thuriot_2021). The following publication has been ascertained in the context of this evaluation (PMID: 34501319). ClinVar contains an entry for this variant (Variation ID: 2030537). Based on the evidence outlined above, the variant was classified as pathogenic.

Labcorp Genetics (formerly Invitae), Labcorp
Classification: Pathogenic for Glycogen storage disease, type II. Last evaluated: 2022-09-14. Review status: criteria provided, single submitter. Criteria: Invitae Variant Classification Sherloc (09022015). Collection method: clinical testing. Allele origin: germline.
Comment: This sequence change creates a premature translational stop signal (p.Trp859*) in the GAA gene. It is expected to result in an absent or disrupted protein product. Loss-of-function variants in GAA are known to be pathogenic (PMID: 18425781, 22252923). The frequency data for this variant in the population databases is considered unreliable, as metrics indicate poor data quality at this position in the gnomAD database. This variant has not been reported in the literature in individuals affected with GAA-related conditions. For these reasons, this variant has been classified as Pathogenic.

Literature cited by the submitters: PubMed 34501319 (cited by 3 submitters); PubMed 32337335 (cited by Natera, Inc.); PubMed 18425781 (cited by Labcorp Genetics (formerly Invitae), Labcorp); PubMed 22252923 (cited by Labcorp Genetics (formerly Invitae), Labcorp).

NM_000152.5(GAA):c.2577G>A (p.Trp859Ter)

Gene: GAA (alpha glucosidase; plus strand). Cytogenetic location: 17q25.3.
Variant type: single nucleotide variant.
Coding change: c.2577G>A on transcript NM_000152.5 (MANE Select); coding-DNA position 2577, G replaced by A.
Protein change: p.Trp859Ter; replaces tryptophan 859 with a stop codon.
Molecular consequence: nonsense.
Genome position (GRCh38, 1-based): chr17:80,118,288, G>A. VCF-style: chr17-80118288-G-A. GRCh37 (hg19) VCF-style: chr17-78092087-G-A.
Other names: c.2577G>A (NM_000152.4); c.2577G>A, p.Trp859Ter (NM_001079803.3, NM_001079804.3, NM_001406741.1 and 1 more transcripts); short protein forms W859*.
Identifiers: ClinVar variation 2030537 (VCV002030537.7), dbSNP rs757577323, ClinGen allele CA8815791.